The following is an entry in ClinVar:

ClinVar aggregate classification (germline): Uncertain significance (1 of 4 stars; one submission).

Conditions:
Autosomal recessive limb-girdle muscular dystrophy type 2J (LGMDR10). Also called: Limb-girdle muscular dystrophy, type 2J; MUSCULAR DYSTROPHY, LIMB-GIRDLE, AUTOSOMAL RECESSIVE 10. Identifiers: Orphanet 140922, MedGen C1837342, MONDO:0012127, OMIM 608807.
Dilated cardiomyopathy 1G (CMD1G). Identifiers: Orphanet 154, MedGen C1858763, MONDO:0011400, OMIM 604145.

Allele frequency attached by ClinVar (database versions not stated): TOPMed 0.00002.
gnomAD v4.1: 3 of 1,612,848 alleles (0.00019%); highest among the groups gnomAD compares: Admixed American, 0.0033%; no homozygotes.

Submission:

Labcorp Genetics (formerly Invitae), Labcorp
Classification: Uncertain significance for Dilated cardiomyopathy 1G; Autosomal recessive limb-girdle muscular dystrophy type 2J. Last evaluated: 2024-02-01. Review status: criteria provided, single submitter. Criteria: Invitae Variant Classification Sherloc (09022015). Collection method: clinical testing. Allele origin: germline.
Comment: This sequence change falls in intron 293 of the TTN gene. It does not directly change the encoded amino acid sequence of the TTN protein. This variant is present in population databases (rs562237741, gnomAD 0.006%). This variant has not been reported in the literature in individuals affected with TTN-related conditions. ClinVar contains an entry for this variant (Variation ID: 535036). Algorithms developed to predict the effect of sequence changes on RNA splicing suggest that this variant may disrupt the consensus splice site. This variant is located in the A band of TTN (PMID: 25589632). Variants in this region may be relevant for cardiac or neuromuscular disorders (PMID: 25589632, 23975875). In summary, the available evidence is currently insufficient to determine the role of this variant in disease. Therefore, it has been classified as a Variant of Uncertain Significance.

Literature cited by the submitters: PubMed 25589632; PubMed 23975875.

NM_001267550.2(TTN):c.57263-6T>G

Genes: TTN (titin; minus strand), TTN-AS1 (TTN antisense RNA 1; plus strand). Cytogenetic location: 2q31.2.
Variant type: single nucleotide variant.
Coding change: c.57263-6T>G on transcript NM_001267550.2 (MANE Select); 6 bases into the intron before coding-DNA position 57263, T replaced by G.
Molecular consequence: intron variant.
Genome position (GRCh38, 1-based): chr2:178,597,825, A>C on the plus strand (T>G on the coding strand, the complement: TTN is on the minus strand). VCF-style: chr2-178597825-A-C. GRCh37 (hg19) VCF-style: chr2-179462552-A-C.
Other names: c.30068-6T>G (NM_003319.4); c.30644-6T>G (NM_133437.4); c.30443-6T>G (NM_133432.3); c.49559-6T>G (NM_133378.4); c.52340-6T>G (NM_001256850.1).
Identifiers: ClinVar variation 535036 (VCV000535036.7), dbSNP rs562237741, ClinGen allele CA1993070.